The following is an entry in ClinVar:

ClinVar aggregate classification (germline): Conflicting classifications of pathogenicity. Review status: criteria provided, conflicting classifications (1 of 4 stars). 6 submissions from 6 submitters: Likely pathogenic (2); Uncertain significance (3). 1 of the submissions does not count toward it. Last evaluated 2026-05-27.

Conditions:
Nephrotic syndrome. Identifiers: MedGen C0027726, MONDO:0005377, HP:0000100.
Nephrotic syndrome, type 2 (NPHS2). Also called: NEPHROTIC SYNDROME, STEROID-RESISTANT, AUTOSOMAL RECESSIVE. Identifiers: Orphanet 656, MedGen C1868672, MONDO:0010974, OMIM 600995.
Steroid-resistant nephrotic syndrome. Identifiers: MedGen C0403397, MONDO:0044765, HP:0012588.

Allele frequency attached by ClinVar (database versions not stated): gnomAD 0.00001 and 0.00002; TOPMed 0.00001.
gnomAD v4.1: 14 of 1,613,936 alleles (0.00087%); highest among the groups gnomAD compares: South Asian, 0.011%; no homozygotes.

Submissions (6):

Myriad Genetics, Inc.
Classification: Uncertain significance for Nephrotic syndrome, type 2. Last evaluated: 2026-05-27. Review status: criteria provided, single submitter. Criteria: Myriad Autosomal Dominant, Autosomal Recessive and X-Linked Classification Criteria (2023). Collection method: clinical testing. Allele origin: unknown.
Comment: NM_014625.2(NPHS2):c.965G>C(R322P) is a missense variant classified as a variant of uncertain significance in the context of nephrotic syndrome, NPHS2-related. R322P has been observed in a case with relevant disease (PMID: 25349199). Relevant functional assessments of this variant are not available in the literature. R322P has been observed in referenced population frequency databases. In summary, there is insufficient evidence to classify NM_014625.2(NPHS2):c.965G>C(R322P) as pathogenic or benign. Please note: this variant was assessed in the context of healthy population screening.

Natera, Inc.
Classification: Likely pathogenic for Steroid-resistant nephrotic syndrome. Last evaluated: 2025-04-17. Review status: criteria provided, single submitter. Criteria: Natera Variant Classification Schema (03/2026). Collection method: clinical testing. Allele origin: germline.
Comment: The c.965G>C variant in NPHS2 is a missense variant predicted to cause substitution of arginine to proline at amino acid 322. This variant is rare in the general population with a frequency below the threshold expected for the associated phenotype(s). This variant has been observed in one or more individuals affected with the associated recessive disease, as either homozygous or compound heterozygous with a second variant (PMID: 25349199). A different variant at the same position has been determined to be Pathogenic or Likely Pathogenic. Computational prediction algorithms indicate this variant is likely to affect gene or protein function. Given the available evidence, this variant is classified as Likely Pathogenic.

Fulgent Genetics
Classification: Likely pathogenic for Nephrotic syndrome, type 2. Last evaluated: 2024-04-30. Review status: criteria provided, single submitter. Criteria: ACMG Guidelines, 2015. Collection method: clinical testing. Allele origin: germline.

Athena Diagnostics
Classification: Uncertain significance. Last evaluated: 2023-03-29. Review status: criteria provided, single submitter. Criteria: Athena Diagnostics Criteria. Collection method: clinical testing. Allele origin: unknown.
Comment: Available data are insufficient to determine the clinical significance of the variant at this time. The frequency of this variant in the general population is uninformative in assessment of its pathogenicity. This variant has been identified in at least one individual with clinical features associated with this gene. Computational tools predict that this variant is damaging.

GeneDx
Classification: Uncertain significance. Last evaluated: 2021-11-22. Review status: criteria provided, single submitter. Criteria: GeneDx Variant Classification Process June 2021. Collection method: clinical testing. Allele origin: germline. Affected: yes.
Comment: Observed with the R229Q variant in patients with steroid-resistant nephrotic syndrome in published literature (Sharma S et al., 2008; Choudhry S et al., 2009); Not observed at significant frequency in large population cohorts (Lek et al., 2016); In silico analysis supports that this missense variant has a deleterious effect on protein structure/function; This variant is associated with the following publications: (PMID: 19484379, 30260545, 27193387, 19268410)

Sydney Genome Diagnostics, Children's Hospital Westmead
Classification: Likely pathogenic for Nephrotic syndrome. Last evaluated: 2018-05-03. Review status: no assertion criteria provided. Collection method: clinical testing. Allele origin: unknown. Affected: yes. Observed: 1 variant allele, 1 compound heterozygote. Not counted in ClinVar's aggregate classification.
Comment: This variant (dbSNP: rs776859868) is in the ExAC database with a very low allele frequency of 0.003% (4 out of 121376 alleles). It has been previously reported as a compound heterozygote with p.Arg229Gln in a patient with idiopathic SRNS (Choudhry et al 2008 Am J Kidney Dis 53:760-769). Variants involving the same amino acid (p.Arg322Gln and p.Arg322Gly) have been reported (Berdeli et al 2007 22:2031-2040 and Machuca et al 2009 Kidney Int 75:727-735). In silico analysis (Alamut Visual v2.8.1) using PolyPhen2, SIFT and Mutation Taster all predict this variant to be a likely pathogenic variant. This variant is considered to be likely pathogenic according to the ACMG guidelines.

Literature cited by the submitters: PubMed 25349199 (cited by 3 submitters); PubMed 30260545 (cited by Athena Diagnostics); PubMed 27193387 (cited by Athena Diagnostics); PubMed 19268410 (cited by Athena Diagnostics); PubMed 30280213 (cited by Athena Diagnostics).

NM_014625.4(NPHS2):c.965G>C (p.Arg322Pro)

Genes: AXDND1 (axonemal dynein light chain domain containing 1; plus strand), NPHS2 (NPHS2 stomatin family member, podocin; minus strand). Cytogenetic location: 1q25.2.
Variant type: single nucleotide variant.
Coding change: c.965G>C on transcript NM_014625.4 (MANE Select); coding-DNA position 965, G replaced by C.
Protein change: p.Arg322Pro; replaces arginine 322 with proline.
Molecular consequence: missense variant. On other transcripts: intron variant (1).
Genome position (GRCh38, 1-based): chr1:179,551,360, C>G on the plus strand (G>C on the coding strand, the complement: NPHS2 is on the minus strand). VCF-style: chr1-179551360-C-G. GRCh37 (hg19) VCF-style: chr1-179520495-C-G.
Other names: c.761G>C, p.Arg254Pro (NM_001297575.2); c.3032-3152C>G (NM_144696.6); short protein forms R254P, R322P.
Identifiers: ClinVar variation 988125 (VCV000988125.7), dbSNP rs776859868, ClinGen allele CA1267051.
Genomic context (GRCh38, chr1:179,551,360, plus strand): 5'-AAAGGTAAAACCACAGTGGAAGGCTTCTCTGTGGACAGAGACTGAAGGGTGTGGAGGTAT[C>G]GAAGCTGAACGGCAGCAGGGGTGCCTGACAGAATCTCAGCTGCCATCCTCAGGGACTCAG-3'
Protein context (NP_055440.1, residues 312-332): LSGTPAAVQL[Arg322Pro]YLHTLQSLST